The following is an entry in ClinVar:

NM_000179.3(MSH6):c.551_566del (p.Asn184fs)

Gene: MSH6 (mutS homolog 6; plus strand). Cytogenetic location: 2p16.3.
Variant type: Deletion.
Coding change: c.551_566del on transcript NM_000179.3 (MANE Select); coding-DNA positions 551 to 566, 16 bases deleted (ATAAAGACAAGATTAA).
Protein change: p.Asn184fs; shifts the reading frame from asparagine 184.
Molecular consequence: frameshift variant. On other transcripts: 5 prime UTR variant (1), intron variant (2).
Genome position (GRCh38, 1-based): chr2:47,795,987-47,796,002, ATAAAGACAAGATTAA deleted; deleting any 16 consecutive bases within chr2:47,795,983-47,796,002 gives the same sequence; the c. name uses the placement nearest the transcript's 3' end. VCF-style (leftmost placement, unchanged base first): chr2-47795982-CTTAAATAAAGACAAGA-C. GRCh37 (hg19) VCF-style: chr2-48023121-CTTAAATAAAGACAAGA-C.
Other names: c.-352_-337del (NM_001281494.2); c.647_662del16, p.Asn216Argfs (NM_001406795.1, NM_001406802.1); c.551_566del16, p.Asn184Argfs (NM_001406796.1, NM_001406798.1, NM_001406800.1 and 5 more transcripts); c.254_269del16, p.Asn85Argfs (NM_001406797.1, NM_001406801.1, NM_001406805.1 and 10 more transcripts); c.26_41del16, p.Asn9Argfs (NM_001406799.1, NM_001406806.1, NM_001406807.1); c.473_488del16, p.Asn158Argfs (NM_001406804.1); c.557_572del16, p.Asn186Argfs (NM_001406813.1); c.-444_-429del16 (NM_001406814.1); and 3 more; short protein forms N184fs.
Identifiers: ClinVar variation 1748035 (VCV001748035.2), dbSNP rs2530520168, ClinGen allele CA2580066792.
Genomic context (GRCh38, chr2:47,795,982, plus strand): 5'-AGGTCATTTTTACAGTGCAAAGCCTGAAATACTGAGAGCAATGCAACGTGCAGATGAAGC[CTTAAATAAAGACAAGA>C]TTAAGAGGCTTGAATTGGCAGTTTGTGATGAGCCCTCAGAGCCAGAAGAGGAAGAAGAGA-3'

ClinVar aggregate classification (germline): Pathogenic (1 of 4 stars; one submission).

Conditions:
Hereditary cancer-predisposing syndrome. Also called: Hereditary Cancer Syndrome; Hereditary neoplastic syndrome; Neoplastic Syndromes, Hereditary; Tumor predisposition. Identifiers: Orphanet 140162, MedGen C0027672, MeSH D009386, MONDO:0015356.

Submission:

Ambry Genetics
Classification: Pathogenic for Hereditary cancer-predisposing syndrome. Last evaluated: 2022-03-29. Review status: criteria provided, single submitter. Criteria: Ambry Variant Classification Scheme 2023. Collection method: clinical testing. Allele origin: germline.
Comment: The c.551_566del16 variant, located in coding exon 3 of the MSH6 gene, results from a deletion of 16 nucleotides at nucleotide positions 551 to 566, causing a translational frameshift with a predicted alternate stop codon (p.N184Rfs*22). This variant is considered to be rare based on population cohorts in the Genome Aggregation Database (gnomAD). This alteration is expected to result in loss of function by premature protein truncation or nonsense-mediated mRNA decay. As such, this alteration is interpreted as a disease-causing mutation.